The following is an entry in ClinVar:

NM_006766.5(KAT6A):c.1282G>T (p.Gly428Trp)

Gene: KAT6A (lysine acetyltransferase 6A; minus strand). Cytogenetic location: 8p11.21.
Variant type: single nucleotide variant.
Coding change: c.1282G>T on transcript NM_006766.5 (MANE Select); coding-DNA position 1282, G replaced by T.
Protein change: p.Gly428Trp; replaces glycine 428 with tryptophan.
Molecular consequence: missense variant.
Genome position (GRCh38, 1-based): chr8:41,977,089, C>A on the plus strand (G>T on the coding strand, the complement: KAT6A is on the minus strand). VCF-style: chr8-41977089-C-A. GRCh37 (hg19) VCF-style: chr8-41834607-C-A.
Other names: c.1282G>T, p.Gly428Trp (NM_001305878.2); short protein forms G428W.
Identifiers: ClinVar variation 4747341 (VCV004747341.1).

ClinVar aggregate classification (germline): Uncertain significance (1 of 4 stars; one submission).

Submission:

Labcorp Genetics (formerly Invitae), Labcorp
Classification: Uncertain significance. Last evaluated: 2025-09-02. Review status: criteria provided, single submitter. Criteria: Invitae Variant Classification Sherloc (09022015). Collection method: clinical testing. Allele origin: germline.
Comment: This sequence change replaces glycine, which is neutral and non-polar, with tryptophan, which is neutral and slightly polar, at codon 428 of the KAT6A protein (p.Gly428Trp). This variant is not present in population databases (gnomAD no frequency). This variant has not been reported in the literature in individuals affected with KAT6A-related conditions. Invitae Evidence Modeling of protein sequence and biophysical properties (such as structural, functional, and spatial information, amino acid conservation, physicochemical variation, residue mobility, and thermodynamic stability) indicates that this missense variant is not expected to disrupt KAT6A protein function with a negative predictive value of 95%. In summary, the available evidence is currently insufficient to determine the role of this variant in disease. Therefore, it has been classified as a Variant of Uncertain Significance.